The following is an entry in ClinVar:

NM_000719.7(CACNA1C):c.4829A>G (p.Asp1610Gly)

Genes: CACNA1C (calcium voltage-gated channel subunit alpha1 C; plus strand), CACNA1C-AS1 (CACNA1C antisense RNA 1; minus strand). Cytogenetic location: 12p13.33.
Variant type: single nucleotide variant.
Coding change: c.4829A>G on transcript NM_000719.7 (MANE Select); coding-DNA position 4829, A replaced by G.
Protein change: p.Asp1610Gly; replaces aspartic acid 1610 with glycine.
Molecular consequence: missense variant. On other transcripts: non-coding transcript variant (1).
Genome position (GRCh38, 1-based): chr12:2,677,094, A>G. VCF-style: chr12-2677094-A-G. GRCh37 (hg19) VCF-style: chr12-2786260-A-G.
Other names: c.4973A>G, p.Asp1658Gly (NM_001129827.2, NM_199460.4); c.4952A>G, p.Asp1651Gly (NM_001129829.2); c.4829A>G, p.Asp1610Gly (NM_001129830.3, NM_001129840.2, NM_001129841.2 and 4 more transcripts); c.4913A>G, p.Asp1638Gly (NM_001129831.2); c.4889A>G, p.Asp1630Gly (NM_001129832.2); c.4886A>G, p.Asp1629Gly (NM_001129833.2, NM_001129834.2, NM_001129835.2); c.4880A>G, p.Asp1627Gly (NM_001129836.2); c.4853A>G, p.Asp1618Gly (NM_001129837.2, NM_001129838.2); and 3 more; short protein forms D1607G, D1638G, D1599G, D1629G, D1610G, D1627G, D1630G, D1651G.
Identifiers: ClinVar variation 4734331 (VCV004734331.1).
Genomic context (GRCh38, chr12:2,677,094, plus strand): 5'-AAGTTCAACTGAATTCCCCTGCTCCCCTCTTACCCCCTCTCCCCTCTCCATACGTCTCAG[A>G]TGATGAGGTCACCGTTGGCAAGTTCTACGCCACGTTCCTGATCCAGGAGTACTTCCGGAA-3'
Protein context (NP_000710.5, residues 1600-1620): LLDQVVPPAG[Asp1610Gly]DEVTVGKFYA

ClinVar aggregate classification (germline): Uncertain significance (1 of 4 stars; one submission).

Conditions:
Long QT syndrome (LQTS). Identifiers: MedGen C0023976, MeSH D008133, MONDO:0002442. Disease mechanism: loss of function. Inheritance: Various modes of inheritance.

Submission:

Labcorp Genetics (formerly Invitae), Labcorp
Classification: Uncertain significance for Long QT syndrome. Last evaluated: 2025-12-29. Review status: criteria provided, single submitter. Criteria: Invitae Variant Classification Sherloc (09022015). Collection method: clinical testing. Allele origin: germline.
Comment: This sequence change replaces aspartic acid, which is acidic and polar, with glycine, which is neutral and non-polar, at codon 1610 of the CACNA1C protein (p.Asp1610Gly). This variant is not present in population databases (gnomAD no frequency). This variant has not been reported in the literature in individuals affected with CACNA1C-related conditions. An algorithm developed to predict the effect of missense changes on protein structure and function (PolyPhen-2) suggests that this variant is likely to be disruptive. In summary, the available evidence is currently insufficient to determine the role of this variant in disease. Therefore, it has been classified as a Variant of Uncertain Significance.